The following is an entry in ClinVar:

NM_001244008.2(KIF1A):c.430-228A>T

Gene: KIF1A (kinesin family member 1A; minus strand). Cytogenetic location: 2q37.3.
Variant type: single nucleotide variant.
Coding change: c.430-228A>T on transcript NM_001244008.2 (MANE Select); 228 bases into the intron before coding-DNA position 430, A replaced by T.
Molecular consequence: intron variant.
Genome position (GRCh38, 1-based): chr2:240,786,741, T>A on the plus strand (A>T on the coding strand, the complement: KIF1A is on the minus strand). VCF-style: chr2-240786741-T-A. GRCh37 (hg19) VCF-style: chr2-241726158-T-A.
Other names: c.430-228A>T (NM_001379653.1, NM_001379650.1, NM_001379645.1 and 20 more transcripts).
Identifiers: ClinVar variation 672262 (VCV000672262.1), dbSNP rs901285110, ClinGen allele CA68141449.

ClinVar aggregate classification (germline): Benign (1 of 4 stars; one submission).

Allele frequency attached by ClinVar (database versions not stated): gnomAD 0.03699 and 0.04952.
gnomAD v4.1: 1,021 of 20,768 alleles (4.9%); highest among the groups gnomAD compares: African/African-American, 14%; 50 homozygotes.

Submission:

GeneDx
Classification: Benign. Last evaluated: 2018-06-19. Review status: criteria provided, single submitter. Criteria: GeneDx Variant Classification (06012015). Collection method: clinical testing. Allele origin: germline. Affected: yes.
Comment: This variant is considered likely benign or benign based on one or more of the following criteria: it is a conservative change, it occurs at a poorly conserved position in the protein, it is predicted to be benign by multiple in silico algorithms, and/or has population frequency not consistent with disease.